The following is an entry in ClinVar:

NM_001101362.3(KBTBD13):c.122G>A (p.Arg41Gln)

Gene: KBTBD13 (kelch repeat and BTB domain containing 13; plus strand). Cytogenetic location: 15q22.31.
Variant type: single nucleotide variant.
Coding change: c.122G>A on transcript NM_001101362.3 (MANE Select); coding-DNA position 122, G replaced by A.
Protein change: p.Arg41Gln; replaces arginine 41 with glutamine.
Molecular consequence: missense variant.
Genome position (GRCh38, 1-based): chr15:65,076,937, G>A. VCF-style: chr15-65076937-G-A. GRCh37 (hg19) VCF-style: chr15-65369275-G-A.
Other names: short protein forms R41Q.
Identifiers: ClinVar variation 532991 (VCV000532991.9), dbSNP rs760757402, ClinGen allele CA7613874.

ClinVar aggregate classification (germline): Uncertain significance. Review status: criteria provided, multiple submitters, no conflicts (2 of 4 stars). 2 submissions from 2 submitters: Uncertain significance (2). Last evaluated 2024-05-24.

Conditions:
Inborn genetic diseases. Identifiers: MedGen C0950123, MeSH D030342.
Nemaline myopathy 6 (NEM6). Also called: Nemaline myopathy 6, autosomal dominant. Identifiers: Orphanet 171439, MedGen C1836472, MONDO:0012237, OMIM 609273.

Allele frequency attached by ClinVar (database versions not stated): ExAC below 0.00001; gnomAD exomes 0.00001; TOPMed 0.00002.

Submissions (2):

Ambry Genetics
Classification: Uncertain significance for Inborn genetic diseases. Last evaluated: 2024-05-24. Review status: criteria provided, single submitter. Criteria: Ambry Variant Classification Scheme 2023. Collection method: clinical testing. Allele origin: germline.

Labcorp Genetics (formerly Invitae), Labcorp
Classification: Uncertain significance for Nemaline myopathy 6. Last evaluated: 2023-05-26. Review status: criteria provided, single submitter. Criteria: Invitae Variant Classification Sherloc (09022015). Collection method: clinical testing. Allele origin: germline.
Comment: In summary, the available evidence is currently insufficient to determine the role of this variant in disease. Therefore, it has been classified as a Variant of Uncertain Significance. Advanced modeling of protein sequence and biophysical properties (such as structural, functional, and spatial information, amino acid conservation, physicochemical variation, residue mobility, and thermodynamic stability) performed at Invitae indicates that this missense variant is not expected to disrupt KBTBD13 protein function. ClinVar contains an entry for this variant (Variation ID: 532991). This variant has not been reported in the literature in individuals affected with KBTBD13-related conditions. The frequency data for this variant in the population databases is considered unreliable, as metrics indicate poor data quality at this position in the gnomAD database. This sequence change replaces arginine, which is basic and polar, with glutamine, which is neutral and polar, at codon 41 of the KBTBD13 protein (p.Arg41Gln).